The following is an entry in ClinVar:

ClinVar aggregate classification (germline): Conflicting classifications of pathogenicity. Review status: criteria provided, conflicting classifications (1 of 4 stars). 4 submissions from 4 submitters: Uncertain significance (1); Likely benign (3). Last evaluated 2026-08-20.

Conditions:
Koolen-de Vries syndrome (KDVS). Identifiers: Orphanet 96169, MedGen C1864871, MONDO:0012496, OMIM 610443.
Inborn genetic diseases. Identifiers: MedGen C0950123, MeSH D030342.

Allele frequency attached by ClinVar (database versions not stated): ESP Exome Variant Server 0.00023; ExAC 0.00005; gnomAD exomes 0.00004 and 0.00009; gnomAD 0.00005 and 0.00006.
gnomAD v4.1: 129 of 1,614,034 alleles (0.008%); highest among the groups gnomAD compares: Non-Finnish European, 0.01%; no homozygotes.

Submissions (4):

Ambry Genetics
Classification: Likely benign for Inborn genetic diseases. Last evaluated: 2026-08-20. Review status: criteria provided, single submitter. Criteria: Ambry Variant Classification Scheme 2023. Collection method: clinical testing. Allele origin: germline.

Labcorp Genetics (formerly Invitae), Labcorp
Classification: Uncertain significance for Koolen-de Vries syndrome. Last evaluated: 2021-08-29. Review status: criteria provided, single submitter. Criteria: Invitae Variant Classification Sherloc (09022015). Collection method: clinical testing. Allele origin: germline.
Comment: Due to the possible presence of a polymorphic segmental duplication, the location of the variant could not be unambiguously resolved. Variants with ambiguous mapping are still reported relative to the KANSL1 transcript. This sequence change replaces serine with glycine at codon 246 of the KANSL1 protein (p.Ser246Gly). The serine residue is highly conserved and there is a small physicochemical difference between serine and glycine. The frequency data for this variant in the population databases (ExAC) is considered unreliable due to the presence of homologous sequence, such as pseudogenes or paralogs, in the genome. This variant has not been reported in the literature in individuals with KANSL1-related conditions. ClinVar contains an entry for this variant (Variation ID: 381695). Algorithms developed to predict the effect of missense changes on protein structure and function (SIFT, PolyPhen-2, Align-GVGD) all suggest that this variant is likely to be tolerated. Until the location of this sequence change can be resolved, the clinical significance of this variant remains uncertain. It has been classified as a Variant of Uncertain Significance.

Athena Diagnostics
Classification: Likely benign. Last evaluated: 2018-09-25. Review status: criteria provided, single submitter. Criteria: Athena Diagnostics Criteria. Collection method: clinical testing. Allele origin: germline.

GeneDx
Classification: Likely benign. Last evaluated: 2016-05-24. Review status: criteria provided, single submitter. Criteria: GeneDx Variant Classification (06012015). Collection method: clinical testing. Allele origin: germline. Affected: yes.
Comment: This variant is considered likely benign or benign based on one or more of the following criteria: it is a conservative change, it occurs at a poorly conserved position in the protein, it is predicted to be benign by multiple in silico algorithms, and/or has population frequency not consistent with disease.

NM_015443.4(KANSL1):c.736A>G (p.Ser246Gly)

Gene: KANSL1 (KAT8 regulatory NSL complex subunit 1). Cytogenetic location: 17q21.31.
Variant type: single nucleotide variant.
Coding change: c.736A>G on transcript NM_015443.4 (MANE Select); coding-DNA position 736, A replaced by G.
Protein change: p.Ser246Gly; replaces serine 246 with glycine.
Molecular consequence: missense variant.
Genome position (GRCh38, 1-based): chr17:46,171,408, T>C on the plus strand (A>G on the coding strand, the complement: KANSL1 is on the minus strand). VCF-style: chr17-46171408-T-C. GRCh37 (hg19) VCF-style: chr17-44248774-T-C.
Other names: c.736A>G, p.Ser246Gly (NM_001193465.2, NM_001193466.2, NM_001379198.1); short protein forms S246G.
Identifiers: ClinVar variation 381695 (VCV000381695.6), dbSNP rs141969887, ClinGen allele CA8618975.